The following is an entry in ClinVar:

ClinVar aggregate classification (germline): Uncertain significance. Review status: criteria provided, multiple submitters, no conflicts (2 of 4 stars). 2 submissions from 2 submitters: Uncertain significance (2). Last evaluated 2025-08-29.

Conditions:
Landau-Kleffner syndrome (FESD). Also called: EPILEPSY, FOCAL, WITH SPEECH DISORDER AND WITH OR WITHOUT MENTAL RETARDATION; APHASIA, ACQUIRED, WITH EPILEPSY. Identifiers: Orphanet 1945, Orphanet 725, Orphanet 98818, MedGen C0282512, MONDO:0009509, OMIM 245570.
Inborn genetic diseases. Identifiers: MedGen C0950123, MeSH D030342.

gnomAD v4.1: 1 of 1,613,982 alleles (0.000062%); highest among the groups gnomAD compares: South Asian, 0.0011%; no homozygotes.

Submissions (2):

Ambry Genetics
Classification: Uncertain significance for Inborn genetic diseases. Last evaluated: 2025-08-29. Review status: criteria provided, single submitter. Criteria: Ambry Variant Classification Scheme 2023. Collection method: clinical testing. Allele origin: germline.

Labcorp Genetics (formerly Invitae), Labcorp
Classification: Uncertain significance for Landau-Kleffner syndrome. Last evaluated: 2024-08-28. Review status: criteria provided, single submitter. Criteria: Invitae Variant Classification Sherloc (09022015). Collection method: clinical testing. Allele origin: germline.
Comment: This sequence change replaces phenylalanine, which is neutral and non-polar, with tyrosine, which is neutral and polar, at codon 310 of the GRIN2A protein (p.Phe310Tyr). This variant is not present in population databases (gnomAD no frequency). This variant has not been reported in the literature in individuals affected with GRIN2A-related conditions. Invitae Evidence Modeling of protein sequence and biophysical properties (such as structural, functional, and spatial information, amino acid conservation, physicochemical variation, residue mobility, and thermodynamic stability) indicates that this missense variant is not expected to disrupt GRIN2A protein function with a negative predictive value of 95%. In summary, the available evidence is currently insufficient to determine the role of this variant in disease. Therefore, it has been classified as a Variant of Uncertain Significance.

NM_001134407.3(GRIN2A):c.929T>A (p.Phe310Tyr)

Gene: GRIN2A (glutamate ionotropic receptor NMDA type subunit 2A; minus strand). Cytogenetic location: 16p13.2.
Variant type: single nucleotide variant.
Coding change: c.929T>A on transcript NM_001134407.3 (MANE Select); coding-DNA position 929, T replaced by A.
Protein change: p.Phe310Tyr; replaces phenylalanine 310 with tyrosine.
Molecular consequence: missense variant.
Genome position (GRCh38, 1-based): chr16:9,938,037, A>T on the plus strand (T>A on the coding strand, the complement: GRIN2A is on the minus strand). VCF-style: chr16-9938037-A-T. GRCh37 (hg19) VCF-style: chr16-10031894-A-T.
Other names: c.929T>A, p.Phe310Tyr (NM_000833.5, NM_001134408.2); c.929T>A (NM_000833.3); short protein forms F310Y.
Identifiers: ClinVar variation 3637281 (VCV003637281.3).